The following is an entry in ClinVar:

NM_144687.4(NLRP12):c.400C>T (p.Arg134Cys)

Gene: NLRP12 (NLR family pyrin domain containing 12; minus strand). Cytogenetic location: 19q13.42.
Variant type: single nucleotide variant.
Coding change: c.400C>T on transcript NM_144687.4 (MANE Select); coding-DNA position 400, C replaced by T.
Protein change: p.Arg134Cys; replaces arginine 134 with cysteine.
Molecular consequence: missense variant.
Genome position (GRCh38, 1-based): chr19:53,811,259, G>A on the plus strand (C>T on the coding strand, the complement: NLRP12 is on the minus strand). VCF-style: chr19-53811259-G-A. GRCh37 (hg19) VCF-style: chr19-54314513-G-A.
Other names: c.400C>T, p.Arg134Cys (NM_001277126.2, NM_001277129.1); short protein forms R134C.
Identifiers: ClinVar variation 1502026 (VCV001502026.9), dbSNP rs200217675, ClinGen allele CA9639721.

ClinVar aggregate classification (germline): Uncertain significance. Review status: criteria provided, multiple submitters, no conflicts (2 of 4 stars). 2 submissions from 2 submitters: Uncertain significance (2). Last evaluated 2024-10-25.

Conditions:
Familial cold autoinflammatory syndrome 2 (FCAS2). Identifiers: Orphanet 247868, MedGen C2673198, MONDO:0012724, OMIM 611762.

Allele frequency attached by ClinVar (database versions not stated): gnomAD 0.00001; TOPMed 0.00001; gnomAD exomes 0.00002 and 0.00005; ExAC 0.00003; ESP Exome Variant Server 0.00008; 1000 Genomes Project 30x 0.00016; 1000 Genomes Project 0.00020.

Submissions (2):

Blueprint Genetics
Classification: Uncertain significance. Last evaluated: 2024-10-25. Review status: criteria provided, single submitter. Criteria: ACMG Guidelines, 2015. Collection method: clinical testing. Allele origin: germline.

Labcorp Genetics (formerly Invitae), Labcorp
Classification: Uncertain significance for Familial cold autoinflammatory syndrome 2. Last evaluated: 2024-01-25. Review status: criteria provided, single submitter. Criteria: Invitae Variant Classification Sherloc (09022015). Collection method: clinical testing. Allele origin: germline.
Comment: This sequence change replaces arginine, which is basic and polar, with cysteine, which is neutral and slightly polar, at codon 134 of the NLRP12 protein (p.Arg134Cys). This variant is present in population databases (rs200217675, gnomAD 0.007%). This variant has not been reported in the literature in individuals affected with NLRP12-related conditions. ClinVar contains an entry for this variant (Variation ID: 1502026). Advanced modeling of protein sequence and biophysical properties (such as structural, functional, and spatial information, amino acid conservation, physicochemical variation, residue mobility, and thermodynamic stability) performed at Invitae indicates that this missense variant is expected to disrupt NLRP12 protein function with a positive predictive value of 80%. In summary, the available evidence is currently insufficient to determine the role of this variant in disease. Therefore, it has been classified as a Variant of Uncertain Significance.